The following is an entry in ClinVar:

ClinVar aggregate classification (germline): Uncertain significance. Review status: criteria provided, multiple submitters, no conflicts (2 of 4 stars). 2 submissions from 2 submitters: Uncertain significance (2). Last evaluated 2025-10-20.

Conditions:
Microphthalmia with brain and digit anomalies (MCOPS6). Also called: MICROPHTHALMIA AND PITUITARY ANOMALIES; Microphthalmia, syndromic 6. Identifiers: Orphanet 139471, MedGen C1864689, MONDO:0011936, OMIM 607932.
Orofacial cleft 11 (OFC11). Also called: CLEFT LIP WITH OR WITHOUT CLEFT PALATE, NONSYNDROMIC, 11; Orofacial cleft 11; ofc11. Identifiers: MedGen C2677434, MONDO:0010906, OMIM 600625.

Allele frequency attached by ClinVar (database versions not stated): TOPMed below 0.00001; ExAC 0.00002; gnomAD exomes 0.00001.

Submissions (2):

Dasa
Classification: Uncertain significance. Last evaluated: 2025-10-20. Review status: criteria provided, single submitter. Criteria: DASA Assertion Criteria. Collection method: clinical testing. Allele origin: germline.
Comment: NM_001202.6(BMP4):c.163C>T (p.Arg55Trp) is a missense variant that results in the substitution of arginine with tryptophan. This variant is rare in population databases. Computational prediction algorithms are consistent with a deleterious effect. The currently available literature and clinical evidence are not sufficient to establish a definitive association between this variant and the reported condition. Therefore, this variant is classified as a variant of uncertain significance.

Labcorp Genetics (formerly Invitae), Labcorp
Classification: Uncertain significance for Microphthalmia with brain and digit anomalies; Orofacial cleft 11. Last evaluated: 2023-09-27. Review status: criteria provided, single submitter. Criteria: Invitae Variant Classification Sherloc (09022015). Collection method: clinical testing. Allele origin: germline.
Comment: In summary, the available evidence is currently insufficient to determine the role of this variant in disease. Therefore, it has been classified as a Variant of Uncertain Significance. Advanced modeling of protein sequence and biophysical properties (such as structural, functional, and spatial information, amino acid conservation, physicochemical variation, residue mobility, and thermodynamic stability) performed at Invitae indicates that this missense variant is not expected to disrupt BMP4 protein function. This variant has not been reported in the literature in individuals affected with BMP4-related conditions. This variant is present in population databases (rs767590018, gnomAD 0.003%). This sequence change replaces arginine, which is basic and polar, with tryptophan, which is neutral and slightly polar, at codon 55 of the BMP4 protein (p.Arg55Trp).

NM_001202.6(BMP4):c.163C>T (p.Arg55Trp)

Gene: BMP4 (bone morphogenetic protein 4; minus strand). Cytogenetic location: 14q22.2.
Variant type: single nucleotide variant.
Coding change: c.163C>T on transcript NM_001202.6 (MANE Select); coding-DNA position 163, C replaced by T.
Protein change: p.Arg55Trp; replaces arginine 55 with tryptophan.
Molecular consequence: missense variant. On other transcripts: 5 prime UTR variant (3).
Genome position (GRCh38, 1-based): chr14:53,952,060, G>A on the plus strand (C>T on the coding strand, the complement: BMP4 is on the minus strand). VCF-style: chr14-53952060-G-A. GRCh37 (hg19) VCF-style: chr14-54418778-G-A.
Other names: c.304C>T, p.Arg102Trp (NM_001347912.1); c.-27C>T (NM_001347913.2, NM_001347915.2, NM_001347917.1); c.163C>T, p.Arg55Trp (NM_001347914.2, NM_001347916.1, NM_130850.5 and 1 more transcripts); short protein forms R55W, R102W.
Identifiers: ClinVar variation 2934520 (VCV002934520.5), dbSNP rs767590018, ClinGen allele CA7191821.